The following is an entry in ClinVar:

ClinVar aggregate classification (germline): Conflicting classifications of pathogenicity. Review status: criteria provided, conflicting classifications (1 of 4 stars). 2 submissions from 2 submitters: Uncertain significance (1); Likely benign (1). Last evaluated 2025-09-24.

Conditions:
Inborn genetic diseases. Identifiers: MedGen C0950123, MeSH D030342.
Hereditary spastic paraplegia 30. Identifiers: Orphanet 101010, MedGen C5235139, MONDO:0012476.
Neuropathy, hereditary sensory, type 2C. Also called: Hereditary sensory and autonomic neuropathy type IIC; KIF1A-Related HSAN2 (HSAN2C). Identifiers: Orphanet 970, MedGen C3280168, MONDO:0013634, OMIM 614213.
Intellectual disability, autosomal dominant 9 (NESCAVS). Also called: NESCAV SYNDROME; KIF1A-Related Neurodevelopmental Disorder. Identifiers: Orphanet 662367, MedGen C5393830, MONDO:0013656, OMIM 614255.

Submissions (2):

Labcorp Genetics (formerly Invitae), Labcorp
Classification: Likely benign for Hereditary spastic paraplegia 30; Neuropathy, hereditary sensory, type 2C; Intellectual disability, autosomal dominant 9. Last evaluated: 2025-09-24. Review status: criteria provided, single submitter. Criteria: Invitae Variant Classification Sherloc (09022015). Collection method: clinical testing. Allele origin: germline.

Ambry Genetics
Classification: Uncertain significance for Inborn genetic diseases. Last evaluated: 2025-09-15. Review status: criteria provided, single submitter. Criteria: Ambry Variant Classification Scheme 2023. Collection method: clinical testing. Allele origin: germline.
Comment: The c.1742-5C>T intronic alteration consists of a C to T substitution 5 nucleotides before exon 20 (coding exon 19) of the KIF1A gene. This variant was not reported in population-based cohorts in the Genome Aggregation Database (gnomAD). Based on insufficient or conflicting evidence, the clinical significance of this alteration remains unclear.

NM_001244008.2(KIF1A):c.1769-5C>T

Gene: KIF1A (kinesin family member 1A; minus strand). Cytogenetic location: 2q37.3.
Variant type: single nucleotide variant.
Coding change: c.1769-5C>T on transcript NM_001244008.2 (MANE Select); 5 bases into the intron before coding-DNA position 1769, C replaced by T.
Molecular consequence: intron variant.
Genome position (GRCh38, 1-based): chr2:240,763,351, G>A on the plus strand (C>T on the coding strand, the complement: KIF1A is on the minus strand). VCF-style: chr2-240763351-G-A. GRCh37 (hg19) VCF-style: chr2-241702768-G-A.
Other names: c.1742-5C>T (NM_004321.5, NM_001379653.1, NM_001379650.1 and 11 more transcripts); c.1844-5C>T (NM_001379635.1, NM_001330290.2, NM_001379646.1 and 2 more transcripts); c.1817-5C>T (NM_001379637.1, NM_001379648.1); c.1769-5C>T (NM_001320705.2, NM_001379638.1, NM_001330289.2).
Identifiers: ClinVar variation 2175721 (VCV002175721.5), dbSNP rs2050761292, ClinGen allele CA1339272933.